The following is an entry in ClinVar:

NM_001159699.2(FHL1):c.441del (p.Cys148fs)

Gene: FHL1 (four and a half LIM domains 1; plus strand). Cytogenetic location: Xq26.3.
Variant type: Deletion.
Coding change: c.441del on transcript NM_001159699.2 (MANE Select); coding-DNA position 441, one base deleted (C; older notation c.441delC).
Protein change: p.Cys148fs; shifts the reading frame from cysteine 148.
Molecular consequence: frameshift variant. On other transcripts: non-coding transcript variant (1).
Genome position (GRCh38, 1-based): chrX:136,207,853, C deleted. VCF-style (leftmost placement, unchanged base first): chrX-136207852-AC-A. GRCh37 (hg19) VCF-style: chrX-135290011-AC-A.
Other names: c.480del, p.Cys161fs (NM_001159701.2); c.393del, p.Cys132fs (NM_001159702.3, NM_001159703.2, NM_001159704.1 and 9 more transcripts); c.441del, p.Cys148fs (NM_001330659.2); short protein forms C132fs, C148fs, C161fs.
Identifiers: ClinVar variation 1458011 (VCV001458011.6), dbSNP rs2148375860, ClinGen allele CA2573159247.

ClinVar aggregate classification (germline): Pathogenic (1 of 4 stars; one submission).

Conditions:
X-linked myopathy with postural muscle atrophy. Also called: FHL1-Related Emery-Dreifuss Muscular Dystrophy, X-Linked. Identifiers: Orphanet 178461, MedGen C2678055, MONDO:0010401, OMIM 300696.

Submission:

Labcorp Genetics (formerly Invitae), Labcorp
Classification: Pathogenic for X-linked myopathy with postural muscle atrophy. Last evaluated: 2021-10-03. Review status: criteria provided, single submitter. Criteria: Invitae Variant Classification Sherloc (09022015). Collection method: clinical testing. Allele origin: germline.
Comment: This variant has not been reported in the literature in individuals affected with FHL1-related conditions. For these reasons, this variant has been classified as Pathogenic. This variant is not present in population databases (ExAC no frequency). This sequence change creates a premature translational stop signal (p.Cys132Alafs*20) in the FHL1 gene. It is expected to result in an absent or disrupted protein product. Loss-of-function variants in FHL1 are known to be pathogenic (PMID: 18179888, 19687455, 19716112, 22523091, 24114807).

Literature cited by the submitters: PubMed 18179888; PubMed 19687455; PubMed 19716112; PubMed 22523091; PubMed 24114807.